The following is an entry in ClinVar:

ClinVar aggregate classification (germline): Uncertain significance. Review status: criteria provided, multiple submitters, no conflicts (2 of 4 stars). 3 submissions from 3 submitters: Uncertain significance (3). Last evaluated 2025-05-05.

Conditions:
Cerebrooculofacioskeletal syndrome 3 (COFS3). Identifiers: MedGen C1851443, MONDO:0014696, OMIM 616570.
Xeroderma pigmentosum, group G (XPG). Also called: XERODERMA PIGMENTOSUM VII; XP, GROUP G; Xeroderma pigmentosum type 7; ERCC5-Related Xeroderma Pigmentosum. Identifiers: MedGen C0268141, MONDO:0010216, OMIM 278780.

Allele frequency attached by ClinVar (database versions not stated): ExAC 0.00001; gnomAD 0.00001; gnomAD exomes 0.00002.
gnomAD v4.1: 24 of 1,614,092 alleles (0.0015%); highest among the groups gnomAD compares: Admixed American, 0.012%; no homozygotes.

Submissions (3):

Women's Health and Genetics/Laboratory Corporation of America, LabCorp
Classification: Uncertain significance. Last evaluated: 2025-05-05. Review status: criteria provided, single submitter. Criteria: LabCorp Variant Classification Summary - May 2015. Collection method: clinical testing. Allele origin: germline.
Comment: Variant summary: ERCC5 c.2455C>T (p.Arg819Trp) results in a non-conservative amino acid change in the encoded protein sequence. Algorithms developed to predict the effect of missense changes on protein structure and function all suggest that this variant is likely to be disruptive. The variant allele was found at a frequency of 2.4e-05 in 251384 control chromosomes. The available data on variant occurrences in the general population are insufficient to allow any conclusion about variant significance. c.2455C>T has been observed in a heterozygous individual affected with early-onset lung cancer (Matakidou_2006). These report(s) do not provide unequivocal conclusions about association of the variant with Xeroderma Pigmentosum. To our knowledge, no experimental evidence demonstrating an impact on protein function has been reported. he following publication have been ascertained in the context of this evaluation (PMID: 16550608). ClinVar contains an entry for this variant (Variation ID: 883462). Based on the evidence outlined above, the variant was classified as uncertain significance.

Fulgent Genetics
Classification: Uncertain significance for Xeroderma pigmentosum, group G; Cerebrooculofacioskeletal syndrome 3. Last evaluated: 2022-02-09. Review status: criteria provided, single submitter. Criteria: ACMG Guidelines, 2015. Collection method: clinical testing. Allele origin: unknown.

Illumina Laboratory Services, Illumina
Classification: Uncertain significance for Xeroderma pigmentosum, group G. Last evaluated: 2017-04-27. Review status: criteria provided, single submitter. Criteria: ICSL Variant Classification Criteria 13 December 2019. Collection method: clinical testing. Allele origin: germline.
Comment: This variant was observed as part of a predisposition screen in an ostensibly healthy population. A literature search was performed for the gene, cDNA change, and amino acid change (where applicable). Publications were found based on this search. However, the evidence from the literature, in combination with allele frequency data from public databases where available, was not sufficient to rule this variant in or out of causing disease. Therefore, this variant is classified as a variant of unknown significance.

Literature cited by the submitters: PubMed 16550608 (cited by Women's Health and Genetics/Laboratory Corporation of America, LabCorp and Illumina Laboratory Services, Illumina).

NM_000123.4(ERCC5):c.2455C>T (p.Arg819Trp)

Genes: BIVM-ERCC5 (BIVM-ERCC5 readthrough; plus strand), ERCC5 (ERCC excision repair 5, endonuclease; plus strand), LOC126861834 (BRD4-independent group 4 enhancer GRCh37_chr13:103518038-103519237; plus strand). Cytogenetic location: 13q33.1.
Variant type: single nucleotide variant.
Coding change: c.2455C>T on transcript NM_000123.4 (MANE Select); coding-DNA position 2455, C replaced by T.
Protein change: p.Arg819Trp; replaces arginine 819 with tryptophan.
Molecular consequence: missense variant.
Genome position (GRCh38, 1-based): chr13:102,866,767, C>T. VCF-style: chr13-102866767-C-T. GRCh37 (hg19) VCF-style: chr13-103519117-C-T.
Other names: c.3817C>T, p.Arg1273Trp (NM_001204425.2); short protein forms R819W, R1273W.
Identifiers: ClinVar variation 883462 (VCV000883462.6), dbSNP rs770975661, ClinGen allele CA7041645.
Genomic context (GRCh38, chr13:102,866,767, plus strand): 5'-CTGACTGATCAGACTTCCGGAACCATCACTGATGACAGTGATATCTGGCTGTTTGGAGCG[C>T]GGCATGTCTATAGAAACTTTTTTAATAAAAACAAGTTTGTAGAATATTATCAATATGTGG-3'
Protein context (NP_000114.3, residues 809-829): DDSDIWLFGA[Arg819Trp]HVYRNFFNKN